The following is an entry in ClinVar:

NM_021074.5(NDUFV2):c.121-168T>C

Gene: NDUFV2 (NADH:ubiquinone oxidoreductase core subunit V2; plus strand). Cytogenetic location: 18p11.22.
Variant type: single nucleotide variant.
Coding change: c.121-168T>C on transcript NM_021074.5 (MANE Select); 168 bases into the intron before coding-DNA position 121, T replaced by C.
Molecular consequence: intron variant.
Genome position (GRCh38, 1-based): chr18:9,119,158, T>C. VCF-style: chr18-9119158-T-C. GRCh37 (hg19) VCF-style: chr18-9119156-T-C.
Identifiers: ClinVar variation 678068 (VCV000678068.1), dbSNP rs874250, ClinGen allele CA15927194.

ClinVar aggregate classification (germline): Benign (1 of 4 stars; one submission).

Allele frequency attached by ClinVar (database versions not stated): 1000 Genomes Project 0.77855; 1000 Genomes Project 30x 0.78045; gnomAD 0.78834 and 0.78971; TOPMed 0.78909.
gnomAD v4.1: 120,087 of 152,000 alleles (79%); highest among the groups gnomAD compares: Middle Eastern, 88%; 47,648 homozygotes.

Submission:

GeneDx
Classification: Benign. Last evaluated: 2018-06-14. Review status: criteria provided, single submitter. Criteria: GeneDx Variant Classification (06012015). Collection method: clinical testing. Allele origin: germline. Affected: yes.
Comment: This variant is considered likely benign or benign based on one or more of the following criteria: it is a conservative change, it occurs at a poorly conserved position in the protein, it is predicted to be benign by multiple in silico algorithms, and/or has population frequency not consistent with disease.